The following is an entry in ClinVar:

ClinVar aggregate classification (germline): Uncertain significance. Review status: criteria provided, multiple submitters, no conflicts (2 of 4 stars). 5 submissions from 5 submitters: Uncertain significance (5). Last evaluated 2024-05-21.

Conditions:
Inborn genetic diseases. Identifiers: MedGen C0950123, MeSH D030342.
T-B+ severe combined immunodeficiency due to JAK3 deficiency. Also called: SCID, T CELL-NEGATIVE, B CELL-POSITIVE, NK CELL-NEGATIVE; SCID, autosomal recessive, T-negative/B-positive type. Identifiers: Orphanet 35078, MedGen C1833275, MONDO:0010938, OMIM 600802.

Allele frequency attached by ClinVar (database versions not stated): gnomAD 0.00005 and 0.00006; TOPMed 0.00006; gnomAD exomes 0.00012; ExAC 0.00014; ESP Exome Variant Server 0.00015.
gnomAD v4.1: 177 of 1,613,382 alleles (0.011%); highest among the groups gnomAD compares: Non-Finnish European, 0.013%; 1 homozygote.

Submissions (5):

Blueprint Genetics
Classification: Uncertain significance. Last evaluated: 2024-05-21. Review status: criteria provided, single submitter. Criteria: ACMG Guidelines, 2015. Collection method: clinical testing. Allele origin: germline.

Ambry Genetics
Classification: Uncertain significance for Inborn genetic diseases. Last evaluated: 2024-03-19. Review status: criteria provided, single submitter. Criteria: Ambry Variant Classification Scheme 2023. Collection method: clinical testing. Allele origin: germline.

Labcorp Genetics (formerly Invitae), Labcorp
Classification: Uncertain significance for T-B+ severe combined immunodeficiency due to JAK3 deficiency. Last evaluated: 2022-08-31. Review status: criteria provided, single submitter. Criteria: Invitae Variant Classification Sherloc (09022015). Collection method: clinical testing. Allele origin: germline.
Comment: This sequence change replaces methionine, which is neutral and non-polar, with isoleucine, which is neutral and non-polar, at codon 598 of the JAK3 protein (p.Met598Ile). This variant is present in population databases (rs138143146, gnomAD 0.02%). This variant has not been reported in the literature in individuals affected with JAK3-related conditions. ClinVar contains an entry for this variant (Variation ID: 328509). Advanced modeling of protein sequence and biophysical properties (such as structural, functional, and spatial information, amino acid conservation, physicochemical variation, residue mobility, and thermodynamic stability) performed at Invitae indicates that this missense variant is not expected to disrupt JAK3 protein function. In summary, the available evidence is currently insufficient to determine the role of this variant in disease. Therefore, it has been classified as a Variant of Uncertain Significance.

CeGaT Center for Human Genetics Tuebingen
Classification: Uncertain significance. Last evaluated: 2022-06-01. Review status: criteria provided, single submitter. Criteria: CeGaT Center For Human Genetics Tuebingen Variant Classification Criteria Version 2. Collection method: clinical testing. Allele origin: germline. Affected: yes. Observed: 1 variant allele.

Illumina Laboratory Services, Illumina
Classification: Uncertain significance for T-B+ severe combined immunodeficiency due to JAK3 deficiency. Last evaluated: 2018-01-13. Review status: criteria provided, single submitter. Criteria: ICSL Variant Classification Criteria 13 December 2019. Collection method: clinical testing. Allele origin: germline.

NM_000215.4(JAK3):c.1794G>C (p.Met598Ile)

Gene: JAK3 (Janus kinase 3; minus strand). Cytogenetic location: 19p13.11.
Variant type: single nucleotide variant.
Coding change: c.1794G>C on transcript NM_000215.4 (MANE Select); coding-DNA position 1794, G replaced by C.
Protein change: p.Met598Ile; replaces methionine 598 with isoleucine.
Molecular consequence: missense variant.
Genome position (GRCh38, 1-based): chr19:17,836,044, C>G on the plus strand (G>C on the coding strand, the complement: JAK3 is on the minus strand). VCF-style: chr19-17836044-C-G. GRCh37 (hg19) VCF-style: chr19-17946853-C-G.
Other names: short protein forms M598I.
Identifiers: ClinVar variation 328509 (VCV000328509.35), dbSNP rs138143146, ClinGen allele CA9301749.